The following is an entry in ClinVar:

GRCh38/hg38 1p36.33(chr1:2112214-2241243)x1

Genes: FAAP20 (FA core complex associated protein 20; minus strand), PRKCZ (protein kinase C zeta; plus strand), PRKCZ-AS1 (PRKCZ antisense RNA 1; minus strand), SKI (SKI proto-oncogene; plus strand), LOC112268219 (uncharacterized LOC112268219; plus strand) and 7 more. Cytogenetic location: 1p36.33.
Variant type: copy number loss.
Change: copy number 1 (one copy instead of two) of chr1:2,112,214-2,241,243 (129.0 kb, GRCh38 coordinates, 1-based), cytogenetic band 1p36.33.
Identifiers: ClinVar variation 58320 (VCV000058320.1).

ClinVar aggregate classification (germline): Pathogenic (1 of 4 stars; one submission).

Submission:

ISCA site 15
Classification: Pathogenic. Last evaluated: 2011-08-12. Review status: criteria provided, single submitter. Criteria: Kaminsky et al. (Genet Med. 2011). Collection method: clinical testing. Allele origin: de novo. Affected: yes. Observed: 1 variant allele.
Comment: Copy number variation identified through the course of routine clinical cytogenomic testing in postnatal populations. Clinical assertions have been curated as described in Kaminsky et al. 2011.